The following is an entry in ClinVar:

NC_000017.11:g.(?_17213645)_(17213866_?)del

Gene: FLCN (folliculin; minus strand). Cytogenetic location: 17p11.2.
Variant type: Deletion.
Identifiers: ClinVar variation 664451 (VCV000664451.2).

ClinVar aggregate classification (germline): Pathogenic (1 of 4 stars; one submission).

Conditions:
Birt-Hogg-Dube syndrome. Also called: Birt Hogg Dubé syndrome. Identifiers: Orphanet 122, MedGen C0346010, MONDO:0800444.

Submission:

Labcorp Genetics (formerly Invitae), Labcorp
Classification: Pathogenic for Multiple fibrofolliculomas. Last evaluated: 2019-03-18. Review status: criteria provided, single submitter. Criteria: Invitae Variant Classification Sherloc (09022015). Collection method: clinical testing. Allele origin: germline.
Comment: This variant is a gross deletion of the genomic region encompassing exon 14 of the FLCN gene. The 5' boundary is likely confined to intron 13. The 3' end of this event is unknown as it extends through the termination codon beyond the assayed region for this gene and may encompass additional genes. While this deletion is not anticipated to result in nonsense mediated decay, it is expected to create a truncated protein product or disrupt mRNA translation. Deletion of exon 14 has been observed in individuals with features of Birt-Hogg-Dub_x0001_e syndrome (PMID: 20413710, 24393238, 27229674). This variant disrupts the C-terminus of the FLCN protein, which contains the minimal binding domain for interaction with FNIP1/2 proteins (residues 517-579) (PMID: 17028174, 18403135). This domain has been shown to be important for AMPK-mediated mTOR signaling pathways (PMID: 17028174, 18403135, 18663353, 22977732). While functional studies have not been performed to directly test the effect of this variant on FLCN protein function, this suggests that disruption of this region of the protein may be causative of disease. Other variant(s) that disrupt this region (p.Arg527*, p.Gln533*) have been determined to be pathogenic (PMID: 15852235, 19802896, Invitae). For these reasons, this variant has been classified as Pathogenic.

Literature cited by the submitters: PubMed 20413710; PubMed 27229674; PubMed 18663353; PubMed 24393238; PubMed 15852235; PubMed 22977732; PubMed 19802896; PubMed 17028174; PubMed 18403135.